The following is an entry in ClinVar:

ClinVar aggregate classification (germline): Pathogenic/Likely pathogenic. Review status: criteria provided, multiple submitters, no conflicts (2 of 4 stars). 2 submissions from 2 submitters: Pathogenic (1); Likely pathogenic (1). Last evaluated 2024-11-20.

Conditions:
MKRN3-related disorder. Also called: MKRN3-related condition.

Submissions (2):

GeneDx
Classification: Pathogenic. Last evaluated: 2024-11-20. Review status: criteria provided, single submitter. Criteria: GeneDx Variant Classification Process June 2021. Collection method: clinical testing. Allele origin: germline. Affected: yes.
Comment: Has been reported in the published literature in two sibling with congenital precocious puberty and their father (PMID: 36916482); Frameshift variant predicted to result in abnormal protein length as the last 220 amino acids are replaced with 107 different amino acids, and other similar variants have been reported in HGMD; Published functional studies demonstrate a damaging effect with this variant resulting in protein truncation and loss of ubiquitination (PMID: 36916482); Not observed at significant frequency in large population cohorts (gnomAD); This variant is associated with the following publications: (PMID: 36916482)

Blueprint Genetics
Classification: Likely pathogenic for MKRN3-related disorders. Last evaluated: 2021-11-09. Review status: criteria provided, single submitter. Criteria: ACMG Guidelines, 2015. Collection method: clinical testing. Allele origin: germline. Affected: yes. Observed: 3 variant alleles.

NM_005664.4(MKRN3):c.862del (p.Ala288fs)

Gene: MKRN3 (makorin ring finger protein 3; plus strand). Cytogenetic location: 15q11.2.
Variant type: Deletion.
Coding change: c.862del on transcript NM_005664.4 (MANE Select); coding-DNA position 862, one base deleted (G; older notation c.862delG).
Protein change: p.Ala288fs; shifts the reading frame from alanine 288.
Molecular consequence: frameshift variant.
Genome position (GRCh38, 1-based): chr15:23,566,644, G deleted; the last of 3 consecutive G bases (chr15:23,566,642-23,566,644); deleting any one gives the same sequence. VCF-style (leftmost placement, unchanged base first): chr15-23566641-AG-A. GRCh37 (hg19) VCF-style: chr15-23811788-AG-A.
Other names: short protein forms A288fs.
Identifiers: ClinVar variation 3900268 (VCV003900268.2).